The following is an entry in ClinVar:

NM_001042492.3(NF1):c.1757del (p.Thr586fs)

Gene: NF1 (neurofibromin 1; plus strand). Cytogenetic location: 17q11.2.
Variant type: Deletion.
Coding change: c.1757del on transcript NM_001042492.3 (MANE Select); coding-DNA position 1757, one base deleted (C; older notation c.1757delC).
Protein change: p.Thr586fs; shifts the reading frame from threonine 586.
Molecular consequence: frameshift variant.
Genome position (GRCh38, 1-based): chr17:31,223,479, C deleted. VCF-style (leftmost placement, unchanged base first): chr17-31223478-AC-A. GRCh37 (hg19) VCF-style: chr17-29550496-AC-A.
Other names: c.1757delC, p.Thr586Ilefs (NM_000267.4); short protein forms T586fs.
Identifiers: ClinVar variation 3728973 (VCV003728973.2).

ClinVar aggregate classification (germline): Pathogenic (1 of 4 stars; one submission).

Conditions:
Neurofibromatosis, type 1 (NF1). Also called: NEUROFIBROMATOSIS, TYPE I, SOMATIC; Peripheral type neurofibromatosis; Neurofibromatosis, type I; VON RECKLINGHAUSEN DISEASE. Identifiers: Orphanet 636, MedGen C0027831, MONDO:0018975, OMIM 162200. Disease mechanism: loss of function.

Submission:

Labcorp Genetics (formerly Invitae), Labcorp
Classification: Pathogenic for Neurofibromatosis, type 1. Last evaluated: 2025-01-14. Review status: criteria provided, single submitter. Criteria: Invitae Variant Classification Sherloc (09022015). Collection method: clinical testing. Allele origin: germline.
Comment: This sequence change creates a premature translational stop signal (p.Thr586Ilefs*19) in the NF1 gene. It is expected to result in an absent or disrupted protein product. Loss-of-function variants in NF1 are known to be pathogenic (PMID: 10712197, 23913538). This variant is not present in population databases (gnomAD no frequency). This variant has not been reported in the literature in individuals affected with NF1-related conditions. For these reasons, this variant has been classified as Pathogenic.

Literature cited by the submitters: PubMed 10712197; PubMed 23913538.